The following is an entry in ClinVar:

ClinVar aggregate classification (germline): Uncertain significance. Review status: criteria provided, multiple submitters, no conflicts (2 of 4 stars). 5 submissions from 5 submitters: Uncertain significance (4). 1 of the submissions does not count toward it. Last evaluated 2024-11-21.

Conditions:
Nemaline myopathy 2 (NEM2). Also called: Nemaline myopathy 2, autosomal recessive. Identifiers: MedGen C1850569, MONDO:0009725, OMIM 256030.
Inborn genetic diseases. Identifiers: MedGen C0950123, MeSH D030342.

Allele frequency attached by ClinVar (database versions not stated): gnomAD 0.00001; gnomAD exomes 0.00001; TOPMed 0.00001; ExAC 0.00002.
gnomAD v4.1: 11 of 1,611,122 alleles (0.00068%); highest among the groups gnomAD compares: African/African-American, 0.008%; no homozygotes.

Submissions (5):

GeneDx
Classification: Uncertain significance. Last evaluated: 2024-11-21. Review status: criteria provided, single submitter. Criteria: GeneDx Variant Classification Process June 2021. Collection method: clinical testing. Allele origin: germline. Affected: yes.
Comment: In silico analysis supports that this missense variant has a deleterious effect on protein structure/function; Has not been previously published as pathogenic or benign to our knowledge

Labcorp Genetics (formerly Invitae), Labcorp
Classification: Uncertain significance for Nemaline myopathy 2. Last evaluated: 2022-10-17. Review status: criteria provided, single submitter. Criteria: Invitae Variant Classification Sherloc (09022015). Collection method: clinical testing. Allele origin: germline.
Comment: This sequence change replaces methionine, which is neutral and non-polar, with threonine, which is neutral and polar, at codon 5653 of the NEB protein (p.Met5653Thr). This variant is present in population databases (rs763012000, gnomAD 0.006%). This variant has not been reported in the literature in individuals affected with NEB-related conditions. ClinVar contains an entry for this variant (Variation ID: 465499). Algorithms developed to predict the effect of missense changes on protein structure and function are either unavailable or do not agree on the potential impact of this missense change (SIFT: "Deleterious"; PolyPhen-2: "Not Available"; Align-GVGD: "Class C0"). In summary, the available evidence is currently insufficient to determine the role of this variant in disease. Therefore, it has been classified as a Variant of Uncertain Significance.

Ambry Genetics
Classification: Uncertain significance for Inborn genetic diseases. Last evaluated: 2021-09-27. Review status: criteria provided, single submitter. Criteria: Ambry Variant Classification Scheme 2023. Collection method: clinical testing. Allele origin: germline.

Revvity Omics, Revvity
Classification: Uncertain significance. Last evaluated: 2020-01-30. Review status: criteria provided, single submitter. Criteria: ACMG Guidelines, 2015. Collection method: clinical testing. Allele origin: germline.

Natera, Inc.
Classification: Uncertain significance for Nemaline myopathy type 2. Last evaluated: 2019-11-11. Review status: no assertion criteria provided. Collection method: clinical testing. Allele origin: germline. Not counted in ClinVar's aggregate classification.

NM_001164508.2(NEB):c.16958T>C (p.Met5653Thr)

Gene: NEB (nebulin; minus strand). Cytogenetic location: 2q23.3.
Variant type: single nucleotide variant.
Coding change: c.16958T>C on transcript NM_001164508.2 (MANE Select); coding-DNA position 16958, T replaced by C.
Protein change: p.Met5653Thr; replaces methionine 5653 with threonine.
Molecular consequence: missense variant.
Genome position (GRCh38, 1-based): chr2:151,575,750, A>G on the plus strand (T>C on the coding strand, the complement: NEB is on the minus strand). VCF-style: chr2-151575750-A-G. GRCh37 (hg19) VCF-style: chr2-152432264-A-G.
Other names: c.16958T>C, p.Met5653Thr (NM_001164507.2, NM_001271208.2); c.11855T>C, p.Met3952Thr (NM_004543.5); c.11855T>C (NM_004543.4); short protein forms M5653T, M3952T.
Identifiers: ClinVar variation 465499 (VCV000465499.14), dbSNP rs763012000, ClinGen allele CA1908333.